The following is an entry in ClinVar:

NM_001145809.2(MYH14):c.1944C>A (p.Asp648Glu)

Gene: MYH14 (myosin heavy chain 14; plus strand). Cytogenetic location: 19q13.33.
Variant type: single nucleotide variant.
Coding change: c.1944C>A on transcript NM_001145809.2 (MANE Select); coding-DNA position 1944, C replaced by A.
Protein change: p.Asp648Glu; replaces aspartic acid 648 with glutamic acid.
Molecular consequence: missense variant.
Genome position (GRCh38, 1-based): chr19:50,252,752, C>A. VCF-style: chr19-50252752-C-A. GRCh37 (hg19) VCF-style: chr19-50756009-C-A.
Other names: c.1944C>A, p.Asp648Glu (NM_001077186.2); c.1920C>A, p.Asp640Glu (NM_024729.4); short protein forms D640E, D648E.
Identifiers: ClinVar variation 3370981 (VCV003370981.1).

ClinVar aggregate classification (germline): Uncertain significance (1 of 4 stars; one submission).

gnomAD v4.1: 9 of 1,576,592 alleles (0.00057%); highest among the groups gnomAD compares: Non-Finnish European, 0.00078%; no homozygotes.

Submission:

GeneDx
Classification: Uncertain significance. Last evaluated: 2024-03-15. Review status: criteria provided, single submitter. Criteria: GeneDx Variant Classification Process June 2021. Collection method: clinical testing. Allele origin: germline. Affected: yes.
Comment: Not observed at significant frequency in large population cohorts (gnomAD); In silico analysis supports that this missense variant has a deleterious effect on protein structure/function; Has not been previously published as pathogenic or benign to our knowledge